The following is an entry in ClinVar:

NM_015978.3(TNNI3K):c.1960T>C (p.Cys654Arg)

Genes: FPGT-TNNI3K (FPGT-TNNI3K readthrough; plus strand), TNNI3K (TNNI3 interacting kinase; plus strand). Cytogenetic location: 1p31.1.
Variant type: single nucleotide variant.
Coding change: c.1960T>C on transcript NM_015978.3 (MANE Select); coding-DNA position 1960, T replaced by C.
Protein change: p.Cys654Arg; replaces cysteine 654 with arginine.
Molecular consequence: missense variant.
Genome position (GRCh38, 1-based): chr1:74,439,571, T>C. VCF-style: chr1-74439571-T-C. GRCh37 (hg19) VCF-style: chr1-74905255-T-C.
Other names: c.2263T>C, p.Cys755Arg (NM_001112808.3, NM_001199327.2); short protein forms C654R, C755R.
Identifiers: ClinVar variation 2908719 (VCV002908719.3), dbSNP rs1666285495, ClinGen allele CA340789885.
Genomic context (GRCh38, chr1:74,439,571, plus strand): 5'-GAGGTGTTCACGCAGTGCACTCGGTACACCATCAAAGCAGATGTCTTCAGCTATGCTCTG[T>C]GTCTGTGGGAAATTCTCACTGGCGAAATTCCATTCGCTCATCTCAAGCCAGGTAAGACAC-3'
Protein context (NP_057062.1, residues 644-664): IKADVFSYAL[Cys654Arg]LWEILTGEIP

ClinVar aggregate classification (germline): Uncertain significance (1 of 4 stars; one submission).

Submission:

Labcorp Genetics (formerly Invitae), Labcorp
Classification: Uncertain significance. Last evaluated: 2023-11-08. Review status: criteria provided, single submitter. Criteria: Invitae Variant Classification Sherloc (09022015). Collection method: clinical testing. Allele origin: germline.
Comment: This sequence change replaces cysteine, which is neutral and slightly polar, with arginine, which is basic and polar, at codon 654 of the TNNI3K protein (p.Cys654Arg). This variant is not present in population databases (gnomAD no frequency). This variant has not been reported in the literature in individuals affected with TNNI3K-related conditions. An algorithm developed to predict the effect of missense changes on protein structure and function (PolyPhen-2) suggests that this variant is likely to be disruptive. In summary, the available evidence is currently insufficient to determine the role of this variant in disease. Therefore, it has been classified as a Variant of Uncertain Significance.